The following is an entry in ClinVar:

NM_174889.5(NDUFAF2):c.1A>T (p.Met1Leu)

Gene: NDUFAF2 (NADH:ubiquinone oxidoreductase complex assembly factor 2; plus strand). Cytogenetic location: 5q12.1.
Variant type: single nucleotide variant.
Coding change: c.1A>T on transcript NM_174889.5 (MANE Select); coding-DNA position 1, A replaced by T.
Protein change: p.Met1Leu; changes the start codon (methionine 1).
Molecular consequence: missense variant, initiator codon variant.
Genome position (GRCh38, 1-based): chr5:60,945,256, A>T. VCF-style: chr5-60945256-A-T. GRCh37 (hg19) VCF-style: chr5-60241083-A-T.
Other names: short protein forms M1L.
Identifiers: ClinVar variation 496596 (VCV000496596.7), dbSNP rs1554076306, ClinGen allele CA359935449.

ClinVar aggregate classification (germline): Pathogenic/Likely pathogenic. Review status: criteria provided, multiple submitters, no conflicts (2 of 4 stars). 3 submissions from 3 submitters: Pathogenic (1); Likely pathogenic (1). 1 of the submissions does not count toward it. Last evaluated 2024-03-26.

Conditions:
Mitochondrial complex I deficiency, nuclear type 10. Also called: Mitochondrial complex 1 deficiency, nuclear type 10. Identifiers: MedGen C4748768, MONDO:0032616, OMIM 618233.

Allele frequency attached by ClinVar (database versions not stated): gnomAD exomes below 0.00001 and 0.00001.

Submissions (3):

GeneDx
Classification: Pathogenic. Last evaluated: 2024-03-26. Review status: criteria provided, single submitter. Criteria: GeneDx Variant Classification Process June 2021. Collection method: clinical testing. Allele origin: germline. Affected: yes.
Comment: Initiation codon variant in a gene for which loss of function is a known mechanism of disease; Not observed at significant frequency in large population cohorts (gnomAD); This variant is associated with the following publications: (PMID: 18180188, 25590979)

Labcorp Genetics (formerly Invitae), Labcorp
Classification: Likely pathogenic. Last evaluated: 2023-06-29. Review status: criteria provided, single submitter. Criteria: Invitae Variant Classification Sherloc (09022015). Collection method: clinical testing. Allele origin: germline.
Comment: This sequence change affects the initiator methionine of the NDUFAF2 mRNA. The next in-frame methionine is located at codon 85. In summary, the currently available evidence indicates that the variant is pathogenic, but additional data are needed to prove that conclusively. Therefore, this variant has been classified as Likely Pathogenic. ClinVar contains an entry for this variant (Variation ID: 496596). Disruption of the initiator codon has been observed in individuals with mitochondrial complex I deficiency (PMID: 18180188, 25590979). This variant is not present in population databases (gnomAD no frequency).

OMIM
Classification: Pathogenic for MITOCHONDRIAL COMPLEX I DEFICIENCY, NUCLEAR TYPE 10. Last evaluated: 2018-12-13. Review status: no assertion criteria provided. Collection method: literature only. Allele origin: germline. Not counted in ClinVar's aggregate classification.

Literature cited by the submitters: PubMed 18180188 (cited by Labcorp Genetics (formerly Invitae), Labcorp and OMIM); PubMed 25590979 (cited by Labcorp Genetics (formerly Invitae), Labcorp).